The following is an entry in ClinVar:

NM_000059.4(BRCA2):c.1689G>A (p.Trp563Ter)

Gene: BRCA2 (BRCA2 DNA repair associated; plus strand). Cytogenetic location: 13q13.1.
Variant type: single nucleotide variant.
Coding change: c.1689G>A on transcript NM_000059.4 (MANE Select); coding-DNA position 1689, G replaced by A.
Protein change: p.Trp563Ter; replaces tryptophan 563 with a stop codon.
Molecular consequence: nonsense.
Genome position (GRCh38, 1-based): chr13:32,333,167, G>A. VCF-style: chr13-32333167-G-A. GRCh37 (hg19) VCF-style: chr13-32907304-G-A.
Other names: 1917G>A; short protein forms W563*.
Identifiers: ClinVar variation 51175 (VCV000051175.37), dbSNP rs80358456, ClinGen allele CA012907.

ClinVar aggregate classification (germline): Pathogenic. Review status: reviewed by expert panel (3 of 4 stars). 17 submissions from 16 submitters: Pathogenic (1). 16 of the submissions do not count toward it. Last evaluated 2016-04-22.

Conditions:
Inherited ovarian cancer (without breast cancer).
Inherited breast cancer and ovarian cancer.
Pancreatic cancer, susceptibility to, 2. Identifiers: Orphanet 1333, MedGen C3150546, MONDO:0013235, OMIM 613347.
Glioma susceptibility 3 (GLM3). Also called: Glioblastoma 3. Identifiers: Orphanet 182067, Orphanet 360, MedGen C2751641, MONDO:0013093, OMIM 613029.
Familial prostate cancer. Also called: Hereditary Prostate Cancer. Identifiers: MedGen C2931456, MONDO:0700275, OMIM 176807.
Breast-ovarian cancer, familial, susceptibility to, 2 (BROVCA2). Also called: BRCA2 Hereditary Breast and Ovarian Cancer. Identifiers: Orphanet 145, MedGen C2675520, MONDO:0012933, OMIM 612555. Disease mechanism: loss of function.
Fanconi anemia complementation group D1. Also called: BRCA2-Related Fanconi Anemia. Identifiers: Orphanet 319462, MedGen C1838457, MONDO:0011584, OMIM 605724.
Medulloblastoma (MDB). Also called: Medulloblastoma, somatic; MEDULLOBLASTOMA PREDISPOSITION SYNDROME. Identifiers: Orphanet 616, MedGen C0025149, MeSH D008527, MONDO:0007959, OMIM 155255, HP:0002885.
Wilms tumor 1 (WT1). Also called: Wilms tumor, somatic. Identifiers: Orphanet 654, MedGen CN033288, MONDO:0008679, OMIM 194070.
Familial cancer of breast. Also called: BREAST CANCER, FAMILIAL; hereditary breast carcinoma; Hereditary breast cancer. Identifiers: Orphanet 227535, MedGen C0346153, MONDO:0016419, OMIM 114480. Disease mechanism: loss of function.
Hereditary cancer-predisposing syndrome. Also called: Neoplastic Syndromes, Hereditary; Tumor predisposition; Hereditary Cancer Syndrome; Hereditary neoplastic syndrome. Identifiers: Orphanet 140162, MedGen C0027672, MeSH D009386, MONDO:0015356.
Hereditary breast ovarian cancer syndrome. Also called: Breast and ovarian cancer; Hereditary breast and ovarian cancer; Hereditary breast and ovarian cancer syndrome (HBOC); Hereditary breast and ovarian cancer syndrome; BRCA1- and BRCA2-Associated Hereditary Breast and Ovarian Cancer; Hereditary breast and/or ovarian cancer syndrome. Identifiers: Orphanet 145, MedGen C0677776, MeSH D061325, MONDO:0003582. Disease mechanism: loss of function.
Malignant tumor of breast. Also called: Cancer breast; Malignant breast neoplasm. Identifiers: MedGen C0006142, MONDO:0007254. Disease mechanism: loss of function.

gnomAD v4.1: 7 of 1,614,026 alleles (0.00043%); highest among the groups gnomAD compares: Non-Finnish European, 0.00051%; no homozygotes.

Submissions 1 to 11 of 17:

Evidence-based Network for the Interpretation of Germline Mutant Alleles (ENIGMA)
Classification: Pathogenic for Breast-ovarian cancer, familial, susceptibility to, 2. Last evaluated: 2016-04-22. Review status: reviewed by expert panel. Criteria: ENIGMA BRCA1/2 Classification Criteria (2015). Collection method: curation. Allele origin: germline.
Comment: Variant allele predicted to encode a truncated non-functional protein.

NHS Central & South Genomic Laboratory Hub
Classification: Pathogenic for Inherited ovarian cancer (without breast cancer). Last evaluated: 2026-10-06. Review status: criteria provided, single submitter. Criteria: ACMG Guidelines, 2015. Collection method: clinical testing. Allele origin: germline. Affected: yes. Not counted in ClinVar's aggregate classification.

Genetics Laboratory, Great Ormond Street Hospital NHS Foundation Trust, North Thames Genomic Laboratory Hub
Classification: Pathogenic for Inherited ovarian cancer (without breast cancer). Last evaluated: 2025-12-10. Review status: criteria provided, single submitter. Criteria: CanVIG BRCA Gene Specific V1.22. Collection method: clinical testing. Allele origin: germline. Affected: yes. Not counted in ClinVar's aggregate classification.
Comment: PS4_supporting, PM2_supporting, PVS1_very-strong, PM5_strong

Genetics Laboratory, Great Ormond Street Hospital NHS Foundation Trust, North Thames Genomic Laboratory Hub
Classification: Pathogenic for Inherited breast cancer and ovarian cancer. Last evaluated: 2025-11-25. Review status: criteria provided, single submitter. Criteria: CanVIG BRCA Gene Specific V1.22. Collection method: clinical testing. Allele origin: germline. Affected: yes. Not counted in ClinVar's aggregate classification.
Comment: the same text as in the submission from Genetics Laboratory, Great Ormond Street Hospital NHS Foundation Trust, North Thames Genomic Laboratory Hub above.

Ambry Genetics
Classification: Pathogenic for Hereditary cancer-predisposing syndrome. Last evaluated: 2025-08-28. Review status: criteria provided, single submitter. Criteria: Ambry Variant Classification Scheme 2023. Collection method: clinical testing. Allele origin: germline. Not counted in ClinVar's aggregate classification.
Comment: The p.W563* pathogenic mutation (also known as c.1689G>A), located in coding exon 9 of the BRCA2 gene, results from a G to A substitution at nucleotide position 1689. This changes the amino acid from a tryptophan to a stop codon within coding exon 9. This alteration is expected to result in loss of function by premature protein truncation or nonsense-mediated mRNA decay. As such, this alteration is interpreted as a disease-causing mutation.

Labcorp Genetics (formerly Invitae), Labcorp
Classification: Pathogenic for Hereditary breast ovarian cancer syndrome. Last evaluated: 2024-03-28. Review status: criteria provided, single submitter. Criteria: Invitae Variant Classification Sherloc (09022015). Collection method: clinical testing. Allele origin: germline. Not counted in ClinVar's aggregate classification.
Comment: This sequence change creates a premature translational stop signal (p.Trp563*) in the BRCA2 gene. It is expected to result in an absent or disrupted protein product. Loss-of-function variants in BRCA2 are known to be pathogenic (PMID: 20104584). This variant is present in population databases (rs80358456, gnomAD 0.004%). This premature translational stop signal has been observed in individual(s) with cancer (PMID: 15131399). ClinVar contains an entry for this variant (Variation ID: 51175). For these reasons, this variant has been classified as Pathogenic.

Quest Diagnostics Nichols Institute San Juan Capistrano
Classification: Pathogenic. Last evaluated: 2024-02-28. Review status: criteria provided, single submitter. Criteria: Quest Diagnostics criteria. Collection method: clinical testing. Allele origin: unknown. Not counted in ClinVar's aggregate classification.
Comment: The BRCA2 c.1689G>A (p.Trp563*) variant causes the premature termination of BRCA2 protein synthesis. This variant has been reported in the published literature in individuals with breast cancer (PMID: 36551643 (2022)) and a BRCA2 related cancer (PMID: 15131399 (2004)). In a large-scale breast cancer association study, the variant was observed in individuals with breast cancer as well as in a reportedly healthy individual (PMID: 33471991 (2021), see also LOVD). The frequency of this variant in the general population, 0.000004 (1/251158 chromosomes (Genome Aggregation Database)), is consistent with pathogenicity. Based on the available information, this variant is classified as pathogenic.

Fulgent Genetics
Classification: Pathogenic for Familial cancer of breast; Medulloblastoma; Familial prostate cancer; Wilms tumor 1; Fanconi anemia complementation group D1; Breast-ovarian cancer, familial, susceptibility to, 2; Glioma susceptibility 3; Pancreatic cancer, susceptibility to, 2. Last evaluated: 2024-01-22. Review status: criteria provided, single submitter. Criteria: ACMG Guidelines, 2015. Collection method: clinical testing. Allele origin: germline. Not counted in ClinVar's aggregate classification.

GeneDx
Classification: Pathogenic. Last evaluated: 2023-09-13. Review status: criteria provided, single submitter. Criteria: GeneDx Variant Classification Process June 2021. Collection method: clinical testing. Allele origin: germline. Affected: yes. Not counted in ClinVar's aggregate classification.
Comment: Nonsense variant predicted to result in protein truncation or nonsense mediated decay in a gene for which loss of function is a known mechanism of disease; Not observed at significant frequency in large population cohorts (gnomAD); Truncating variants in this gene are considered pathogenic by a well-established clinical consortium and/or database; Also known as 1917G>A; This variant is associated with the following publications: (PMID: 18955455, 25525159, 20167696, 21702907, 28492532, 29202330, 15131399, 28726806, 30720243, 35578052, 31565484, 26586665, 29446198, 34161676, 20104584, 29262651, 29487695)

Baylor Genetics
Classification: Pathogenic for Familial cancer of breast. Last evaluated: 2023-04-28. Review status: criteria provided, single submitter. Criteria: ACMG Guidelines, 2015. Collection method: clinical testing. Allele origin: unknown. Not counted in ClinVar's aggregate classification.

Women's Health and Genetics/Laboratory Corporation of America, LabCorp
Classification: Pathogenic for Hereditary breast ovarian cancer syndrome. Last evaluated: 2022-12-12. Review status: criteria provided, single submitter. Criteria: LabCorp Variant Classification Summary - May 2015. Collection method: clinical testing. Allele origin: germline. Not counted in ClinVar's aggregate classification.
Comment: Variant summary: BRCA2 c.1689G>A (p.Trp563X) results in a premature termination codon, predicted to cause a truncation of the encoded protein or absence of the protein due to nonsense mediated decay, which are commonly known mechanisms for disease. Truncations downstream of this position have been classified as pathogenic by our laboratory. The variant allele was found at a frequency of 4e-06 in 251158 control chromosomes (gnomAD). c.1689G>A has been reported in the literature in multiple individuals affected with Hereditary Breast And Ovarian Cancer Syndrome (examples: Lubinski_2004,Hondow_2011, Meeks_2016). These data indicate that the variant is very likely to be associated with disease. Seven clinical diagnostic laboratories have submitted clinical-significance assessments for this variant to ClinVar after 2014 and all classified the variant as pathogenic/likely pathogenic. Based on the evidence outlined above, the variant was classified as pathogenic.